The following is an entry in ClinVar:

NM_001005273.3(CHD3):c.3287T>C (p.Leu1096Ser)

Gene: CHD3 (chromodomain helicase DNA binding protein 3; plus strand). Cytogenetic location: 17p13.1.
Variant type: single nucleotide variant.
Coding change: c.3287T>C on transcript NM_001005273.3 (MANE Select); coding-DNA position 3287, T replaced by C.
Protein change: p.Leu1096Ser; replaces leucine 1096 with serine.
Molecular consequence: missense variant.
Genome position (GRCh38, 1-based): chr17:7,902,644, T>C. VCF-style: chr17-7902644-T-C. GRCh37 (hg19) VCF-style: chr17-7805962-T-C.
Other names: c.3464T>C, p.Leu1155Ser (NM_001005271.3, NM_001437504.1); c.3452T>C, p.Leu1151Ser (NM_001437507.1, NM_001437508.1, NM_001437509.1); c.3287T>C, p.Leu1096Ser (NM_005852.4); short protein forms L1096S, L1151S, L1155S.
Identifiers: ClinVar variation 4293276 (VCV004293276.1).

ClinVar aggregate classification (germline): Uncertain significance (1 of 4 stars; one submission).

Conditions:
Snijders Blok-Campeau syndrome. Also called: INTELLECTUAL DEVELOPMENTAL DISORDER WITH MACROCEPHALY, SPEECH DELAY, AND DYSMORPHIC FACIES. Identifiers: Orphanet 599082, MedGen C4748701, MONDO:0032600, OMIM 618205.

Submission:

3billion
Classification: Uncertain significance for Snijders Blok-Campeau syndrome. Last evaluated: 2024-10-29. Review status: criteria provided, single submitter. Criteria: ACMG Guidelines, 2015. Collection method: clinical testing. Allele origin: germline. Affected: yes.
Comment: The variant is not observed in the gnomAD v4.1.0 dataset. Predicted Consequence/Location: Missense variant. Missense changes are a common disease-causing mechanism. In silico tool predictions suggest damaging effect of the variant on gene or gene product [REVEL: 0.89 (>=0.6, sensitivity 0.68 and specificity 0.92); 3Cnet: 0.98 (>=0.6, sensitivity 0.72 and precision 0.9)]. Therefore, this variant is classified as VUS according to the recommendation of ACMG/AMP guideline.